The following is an entry in ClinVar:

NM_000193.4(SHH):c.474C>G (p.Tyr158Ter)

Gene: SHH (sonic hedgehog signaling molecule; minus strand). Cytogenetic location: 7q36.3.
Variant type: single nucleotide variant.
Coding change: c.474C>G on transcript NM_000193.4 (MANE Select); coding-DNA position 474, C replaced by G.
Protein change: p.Tyr158Ter; replaces tyrosine 158 with a stop codon.
Molecular consequence: nonsense. On other transcripts: non-coding transcript variant (2).
Genome position (GRCh38, 1-based): chr7:155,806,384, G>C on the plus strand (C>G on the coding strand, the complement: SHH is on the minus strand). VCF-style: chr7-155806384-G-C. GRCh37 (hg19) VCF-style: chr7-155599078-G-C.
Other names: c.474C>G; c.213C>G, p.Tyr71Ter (NM_001310462.2); short protein forms Y158*, Y71*.
Identifiers: ClinVar variation 65872 (VCV000065872.3), dbSNP rs146990376, ClinGen allele CA345206.

ClinVar aggregate classification (germline): Pathogenic. Review status: criteria provided, single submitter (1 of 4 stars). 2 submissions from 2 submitters: Pathogenic (1). 1 of the submissions does not count toward it. Last evaluated 2025-02-27.

Conditions:
Holoprosencephaly 3 (HPE3). Identifiers: Orphanet 2162, MedGen C1840529, MONDO:0007733, OMIM 142945.

Submissions (2):

Laboratory of Molecular Genetics, CHU Rennes
Classification: Pathogenic for Holoprosencephaly 3. Last evaluated: 2025-02-27. Review status: criteria provided, single submitter. Criteria: ACMG Guidelines, 2015. Collection method: clinical testing. Allele origin: maternal. Inheritance: Oligogenic inheritance. Affected: yes.
Comment: The NM_000193.4:c.474C>G, is a nonsense variant in SHH which is predicted to result in a premature stop codon at position 158, and likely results in an absent or disrupted protein product (PVS1). This variant is not present in gnomAD (PM2).

GeneReviews
Classification: Pathogenic for Holoprosencephaly. Last evaluated: 2013-08-29. Review status: no assertion criteria provided. Collection method: curation. Allele origin: unknown. Not counted in ClinVar's aggregate classification.
ClinVar note: Converted during submission from pathologic to Pathogenic.